The following is an entry in ClinVar:

NM_000059.4(BRCA2):c.8929del (p.Tyr2977fs)

Gene: BRCA2 (BRCA2 DNA repair associated; plus strand). Cytogenetic location: 13q13.1.
Variant type: Deletion.
Coding change: c.8929del on transcript NM_000059.4 (MANE Select); coding-DNA position 8929, one base deleted (T; older notation c.8929delT).
Protein change: p.Tyr2977fs; shifts the reading frame from tyrosine 2977.
Molecular consequence: frameshift variant. On other transcripts: non-coding transcript variant (1).
Genome position (GRCh38, 1-based): chr13:32,379,491, T deleted. VCF-style (leftmost placement, unchanged base first): chr13-32379490-CT-C. GRCh37 (hg19) VCF-style: chr13-32953627-CT-C.
Other names: c.8833del, p.Tyr2945fs (NM_001406719.1); c.8929del, p.Tyr2977fs (NM_001406720.1); c.3997del, p.Tyr1333fs (NM_001406721.1); c.2512del, p.Tyr838fs (NM_001406722.1); short protein forms Y1333fs, Y2977fs, Y838fs, Y2945fs.
Identifiers: ClinVar variation 3148729 (VCV003148729.1), dbSNP rs2548555289, ClinGen allele CA2825002162.

ClinVar aggregate classification (germline): Pathogenic (1 of 4 stars; one submission).

Conditions:
Breast-ovarian cancer, familial, susceptibility to, 2 (BROVCA2). Also called: BRCA2 Hereditary Breast and Ovarian Cancer. Identifiers: Orphanet 145, MedGen C2675520, MONDO:0012933, OMIM 612555. Disease mechanism: loss of function.

Submission:

Myriad Genetics, Inc.
Classification: Pathogenic for Breast-ovarian cancer, familial, susceptibility to, 2. Last evaluated: 2024-03-29. Review status: criteria provided, single submitter. Criteria: Myriad Autosomal Dominant, Autosomal Recessive and X-Linked Classification Criteria (2023). Collection method: clinical testing. Allele origin: unknown.
Comment: This variant is considered pathogenic. This variant creates a frameshift predicted to result in premature protein truncation.